The following is an entry in ClinVar:

ClinVar aggregate classification (germline): Uncertain significance (1 of 4 stars; one submission).

Conditions:
Hereditary cancer-predisposing syndrome. Also called: Neoplastic Syndromes, Hereditary; Tumor predisposition; Hereditary neoplastic syndrome; Hereditary Cancer Syndrome. Identifiers: Orphanet 140162, MedGen C0027672, MeSH D009386, MONDO:0015356.

Submission:

Ambry Genetics
Classification: Uncertain significance for Hereditary cancer-predisposing syndrome. Last evaluated: 2026-07-04. Review status: criteria provided, single submitter. Criteria: Ambry Variant Classification Scheme 2023. Collection method: clinical testing. Allele origin: germline.
Comment: The p.N1392K variant (also known as c.4176C>G), located in coding exon 23 of the PTCH1 gene, results from a C to G substitution at nucleotide position 4176. The asparagine at codon 1392 is replaced by lysine, an amino acid with similar properties. This amino acid position is conserved. In addition, this alteration is predicted to be tolerated by in silico analysis. Based on the available evidence, the clinical significance of this variant remains unclear.

NM_000264.5(PTCH1):c.4176C>G (p.Asn1392Lys)

Gene: PTCH1 (patched 1; minus strand). Cytogenetic location: 9q22.32.
Variant type: single nucleotide variant.
Coding change: c.4176C>G on transcript NM_000264.5 (MANE Select); coding-DNA position 4176, C replaced by G.
Protein change: p.Asn1392Lys; replaces asparagine 1392 with lysine.
Molecular consequence: missense variant. On other transcripts: non-coding transcript variant (1).
Genome position (GRCh38, 1-based): chr9:95,447,080, G>C on the plus strand (C>G on the coding strand, the complement: PTCH1 is on the minus strand). VCF-style: chr9-95447080-G-C. GRCh37 (hg19) VCF-style: chr9-98209362-G-C.
Other names: c.3978C>G, p.Asn1326Lys (NM_001083602.3); c.4173C>G, p.Asn1391Lys (NM_001083603.3); c.3723C>G, p.Asn1241Lys (NM_001083604.3, NM_001083605.3, NM_001083606.3 and 1 more transcripts); c.4020C>G, p.Asn1340Lys (NM_001354918.2); short protein forms N1392K, N1241K, N1391K, N1326K, N1340K.
Identifiers: ClinVar variation 5027452 (VCV005027452.1).